The following is an entry in ClinVar:

NC_000008.10:g.(?_10065323)_(10480711_?)dup

Genes: MSRA (methionine sulfoxide reductase A), PRSS51 (serine protease 51), PRSS55 (serine protease 55), RP1L1 (RP1 like 1). Cytogenetic location: 8p23.1.
Variant type: Duplication.
Identifiers: ClinVar variation 1412927 (VCV001412927.1).

ClinVar aggregate classification (germline): Uncertain significance (1 of 4 stars; one submission).

Submission:

Labcorp Genetics (formerly Invitae), Labcorp
Classification: Uncertain significance. Last evaluated: 2021-10-06. Review status: criteria provided, single submitter. Criteria: Invitae Variant Classification Sherloc (09022015). Collection method: clinical testing. Allele origin: germline.
Comment: A copy number gain of the genomic region encompassing the full coding sequence of the RP1L1 gene has been identified. The boundaries of this event are unknown as they extend beyond the assayed region for this gene and therefore may encompass additional genes. As the precise location of this event is unknown, it may be in tandem or it may be located elsewhere in the genome. This variant has not been reported in the literature in individuals affected with RP1L1-related conditions. In summary, the available evidence is currently insufficient to determine the role of this variant in disease. Therefore, it has been classified as a Variant of Uncertain Significance.